The following is an entry in ClinVar:

NM_016156.6(MTMR2):c.1756C>T (p.Arg586Trp)

Gene: MTMR2 (myotubularin related protein 2; minus strand). Cytogenetic location: 11q21.
Variant type: single nucleotide variant.
Coding change: c.1756C>T on transcript NM_016156.6 (MANE Select); coding-DNA position 1756, C replaced by T.
Protein change: p.Arg586Trp; replaces arginine 586 with tryptophan.
Molecular consequence: missense variant.
Genome position (GRCh38, 1-based): chr11:95,836,162, G>A on the plus strand (C>T on the coding strand, the complement: MTMR2 is on the minus strand). VCF-style: chr11-95836162-G-A. GRCh37 (hg19) VCF-style: chr11-95569326-G-A.
Other names: c.1540C>T, p.Arg514Trp (NM_001243571.2, NM_201278.3, NM_201281.3); short protein forms R514W, R586W.
Identifiers: ClinVar variation 2189221 (VCV002189221.4), dbSNP rs61735577, ClinGen allele CA6239889.

ClinVar aggregate classification (germline): Uncertain significance (1 of 4 stars; one submission).

Conditions:
Charcot-Marie-Tooth disease type 4. Also called: Charcot-Marie-Tooth disease, type IV; Charcot-Marie-Tooth, Type 4. Identifiers: Orphanet 64749, MedGen C4082197, MONDO:0018995.

gnomAD v4.1: 6 of 1,612,550 alleles (0.00037%); highest among the groups gnomAD compares: East Asian, 0.0045%; no homozygotes.

Submission:

Labcorp Genetics (formerly Invitae), Labcorp
Classification: Uncertain significance for Charcot-Marie-Tooth disease type 4. Last evaluated: 2022-01-27. Review status: criteria provided, single submitter. Criteria: Invitae Variant Classification Sherloc (09022015). Collection method: clinical testing. Allele origin: germline.
Comment: This variant has not been reported in the literature in individuals affected with MTMR2-related conditions. In summary, the available evidence is currently insufficient to determine the role of this variant in disease. Therefore, it has been classified as a Variant of Uncertain Significance. Algorithms developed to predict the effect of missense changes on protein structure and function are either unavailable or do not agree on the potential impact of this missense change (SIFT: "Tolerated"; PolyPhen-2: "Possibly Damaging"; Align-GVGD: "Class C0"). This variant is present in population databases (rs61735577, gnomAD 0.003%). This sequence change replaces arginine, which is basic and polar, with tryptophan, which is neutral and slightly polar, at codon 586 of the MTMR2 protein (p.Arg586Trp).